The following is an entry in ClinVar:

ClinVar aggregate classification (germline): Uncertain significance (1 of 4 stars; one submission).

Conditions:
Hereditary cancer-predisposing syndrome. Also called: Hereditary neoplastic syndrome; Neoplastic Syndromes, Hereditary; Tumor predisposition; Hereditary Cancer Syndrome. Identifiers: Orphanet 140162, MedGen C0027672, MeSH D009386, MONDO:0015356.

Submission:

Ambry Genetics
Classification: Uncertain significance for Hereditary cancer-predisposing syndrome. Last evaluated: 2025-08-27. Review status: criteria provided, single submitter. Criteria: Ambry Variant Classification Scheme 2023. Collection method: clinical testing. Allele origin: germline.
Comment: The p.L318I variant (also known as c.952T>A), located in coding exon 11 of the MUTYH gene, results from a T to A substitution at nucleotide position 952. The leucine at codon 318 is replaced by isoleucine, an amino acid with highly similar properties. This amino acid position is conserved. In addition, this alteration is predicted to be tolerated by in silico analysis. Based on the available evidence, the clinical significance of this variant remains unclear.

NM_001048174.2(MUTYH):c.868T>A (p.Leu290Ile)

Gene: MUTYH (mutY DNA glycosylase; minus strand). Cytogenetic location: 1p34.1.
Variant type: single nucleotide variant.
Coding change: c.868T>A on transcript NM_001048174.2 (MANE Select); coding-DNA position 868, T replaced by A.
Protein change: p.Leu290Ile; replaces leucine 290 with isoleucine.
Molecular consequence: missense variant. On other transcripts: non-coding transcript variant (7).
Genome position (GRCh38, 1-based): chr1:45,332,068, A>T on the plus strand (T>A on the coding strand, the complement: MUTYH is on the minus strand). VCF-style: chr1-45332068-A-T. GRCh37 (hg19) VCF-style: chr1-45797740-A-T.
Other names: c.868T>A, p.Leu290Ile (NM_001048171.2, NM_001407070.1, NM_001407072.1 and 6 more transcripts); c.871T>A, p.Leu291Ile (NM_001048172.2, NM_001407071.1, NM_001407078.1 and 1 more transcripts); c.523T>A, p.Leu175Ile (NM_001350651.2, NM_001350650.2, NM_001407082.1); c.901T>A, p.Leu301Ile (NM_001407069.1, NM_001407077.1, NM_001293191.2); c.784T>A, p.Leu262Ile (NM_001407075.1); c.592T>A, p.Leu198Ile (NM_001407091.1, NM_001293192.2, NM_001293196.2); c.943T>A, p.Leu315Ile (NM_012222.3); c.952T>A, p.Leu318Ile (NM_001128425.2); and 5 more; short protein forms L276I, L277I, L291I, L304I, L305I, L315I, L198I, L262I.
Identifiers: ClinVar variation 4113946 (VCV004113946.1).